The following is an entry in ClinVar:

ClinVar aggregate classification (germline): Likely pathogenic (1 of 4 stars; one submission).

Conditions:
Dilated cardiomyopathy 1G (CMD1G). Identifiers: Orphanet 154, MedGen C1858763, MONDO:0011400, OMIM 604145.
Autosomal recessive limb-girdle muscular dystrophy type 2J (LGMDR10). Also called: Limb-girdle muscular dystrophy, type 2J; MUSCULAR DYSTROPHY, LIMB-GIRDLE, AUTOSOMAL RECESSIVE 10. Identifiers: Orphanet 140922, MedGen C1837342, MONDO:0012127, OMIM 608807.

Submission:

Labcorp Genetics (formerly Invitae), Labcorp
Classification: Likely pathogenic for Dilated cardiomyopathy 1G; Autosomal recessive limb-girdle muscular dystrophy type 2J. Last evaluated: 2025-03-31. Review status: criteria provided, single submitter. Criteria: Invitae Variant Classification Sherloc (09022015). Collection method: clinical testing. Allele origin: germline.
Comment: This sequence change creates a premature translational stop signal (p.Lys17016Glufs*16) in the TTN gene. While this is not anticipated to result in nonsense mediated decay, it is expected to create a truncated TTN protein. This variant is not present in population databases (gnomAD no frequency). This variant has not been reported in the literature in individuals affected with TTN-related conditions. This variant is located in the A band of TTN (PMID: 25589632). Truncating variants in this region are significantly overrepresented in patients affected with dilated cardiomyopathy (PMID: 25589632). Truncating variants in this region have also been reported in individuals affected with autosomal recessive centronuclear myopathy (PMID: 23975875). In summary, the currently available evidence indicates that the variant is pathogenic, but additional data are needed to prove that conclusively. Therefore, this variant has been classified as Likely Pathogenic.

Literature cited by the submitters: PubMed 25589632; PubMed 23975875.

NM_001267550.2(TTN):c.51046_51047del (p.Lys17016fs)

Genes: TTN (titin; minus strand), TTN-AS1 (TTN antisense RNA 1; plus strand). Cytogenetic location: 2q31.2.
Variant type: Deletion.
Coding change: c.51046_51047del on transcript NM_001267550.2 (MANE Select); coding-DNA positions 51046 to 51047, 2 bases deleted (AA; older notation c.51046_51047delAA).
Protein change: p.Lys17016fs; shifts the reading frame from lysine 17016.
Molecular consequence: frameshift variant.
Genome position (GRCh38, 1-based): chr2:178,611,082-178,611,083, TT deleted on the plus strand (AA on the coding strand, the reverse complement: TTN is on the minus strand). VCF-style (leftmost placement, unchanged base first): chr2-178611081-CTT-C. GRCh37 (hg19) VCF-style: chr2-179475808-CTT-C.
Other names: c.46123_46124del, p.Lys15375fs (NM_001256850.1); c.23851_23852del, p.Lys7951fs (NM_003319.4); c.43342_43343del, p.Lys14448fs (NM_133378.4); c.24226_24227del, p.Lys8076fs (NM_133432.3); c.24427_24428del, p.Lys8143fs (NM_133437.4); short protein forms K17016fs, K7951fs, K8076fs, K8143fs, K14448fs, K15375fs.
Identifiers: ClinVar variation 4784506 (VCV004784506.1).